The following is an entry in ClinVar:

ClinVar aggregate classification (germline): Uncertain significance. Review status: criteria provided, multiple submitters, no conflicts (2 of 4 stars). 2 submissions from 2 submitters: Uncertain significance (2). Last evaluated 2025-11-01.

Submissions (2):

CeGaT Center for Human Genetics Tuebingen
Classification: Uncertain significance. Last evaluated: 2025-11-01. Review status: criteria provided, single submitter. Criteria: CeGaT Center For Human Genetics Tuebingen Variant Classification Criteria Version 2. Collection method: clinical testing. Allele origin: germline. Affected: yes. Observed: 1 variant allele.
Comment: KDM3B: PM2, PP3

GeneDx
Classification: Uncertain significance. Last evaluated: 2023-12-01. Review status: criteria provided, single submitter. Criteria: GeneDx Variant Classification Process June 2021. Collection method: clinical testing. Allele origin: germline. Affected: yes.
Comment: Has not been previously published as pathogenic or benign to our knowledge; Not observed at significant frequency in large population cohorts (gnomAD); In silico analysis supports that this missense variant has a deleterious effect on protein structure/function

NM_016604.4(KDM3B):c.4850A>G (p.Tyr1617Cys)

Gene: KDM3B (lysine demethylase 3B; plus strand). Cytogenetic location: 5q31.2.
Variant type: single nucleotide variant.
Coding change: c.4850A>G on transcript NM_016604.4 (MANE Select); coding-DNA position 4850, A replaced by G.
Protein change: p.Tyr1617Cys; replaces tyrosine 1617 with cysteine.
Molecular consequence: missense variant.
Genome position (GRCh38, 1-based): chr5:138,429,922, A>G. VCF-style: chr5-138429922-A-G. GRCh37 (hg19) VCF-style: chr5-137765611-A-G.
Other names: short protein forms Y1617C.
Identifiers: ClinVar variation 3365172 (VCV003365172.7).